The following is an entry in ClinVar:

NM_000089.4(COL1A2):c.179G>C (p.Gly60Ala)

Gene: COL1A2 (collagen type I alpha 2 chain; plus strand). Cytogenetic location: 7q21.3.
Variant type: single nucleotide variant.
Coding change: c.179G>C on transcript NM_000089.4 (MANE Select); coding-DNA position 179, G replaced by C.
Protein change: p.Gly60Ala; replaces glycine 60 with alanine.
Molecular consequence: missense variant.
Genome position (GRCh38, 1-based): chr7:94,400,242, G>C. VCF-style: chr7-94400242-G-C. GRCh37 (hg19) VCF-style: chr7-94029554-G-C.
Other names: short protein forms G60A.
Identifiers: ClinVar variation 4869123 (VCV004869123.1).

ClinVar aggregate classification (germline): Uncertain significance (1 of 4 stars; one submission).

Conditions:
Cardiovascular phenotype. Identifiers: MedGen CN230736.

Submission:

Ambry Genetics
Classification: Uncertain significance for Cardiovascular phenotype. Last evaluated: 2026-03-29. Review status: criteria provided, single submitter. Criteria: Ambry Variant Classification Scheme 2023. Collection method: clinical testing. Allele origin: germline.
Comment: The p.G60A variant (also known as c.179G>C), located in coding exon 5 of the COL1A2 gene, results from a G to C substitution at nucleotide position 179. The glycine at codon 60 is replaced by alanine, an amino acid with similar properties. This amino acid position is conserved. In addition, this alteration is predicted to be deleterious by in silico analysis. Based on the available evidence, the clinical significance of this variant remains unclear.